The following is an entry in ClinVar:

NM_006172.4(NPPA):c.320G>A (p.Arg107Gln)

Genes: NPPA (natriuretic peptide A; minus strand), NPPA-AS1 (NPPA antisense RNA 1; plus strand), LOC114827827 (VISTA enhancer hs2123; plus strand). Cytogenetic location: 1p36.22.
Variant type: single nucleotide variant.
Coding change: c.320G>A on transcript NM_006172.4 (MANE Select); coding-DNA position 320, G replaced by A.
Protein change: p.Arg107Gln; replaces arginine 107 with glutamine.
Molecular consequence: missense variant.
Genome position (GRCh38, 1-based): chr1:11,847,243, C>T on the plus strand (G>A on the coding strand, the complement: NPPA is on the minus strand). VCF-style: chr1-11847243-C-T. GRCh37 (hg19) VCF-style: chr1-11907300-C-T.
Other names: short protein forms R107Q.
Identifiers: ClinVar variation 1376478 (VCV001376478.6), dbSNP rs369737600, ClinGen allele CA597031.
Genomic context (GRCh38, chr1:11,847,243, plus strand): 5'-CTCCGCAGGCTCCGAGGGGCAGTGAGCAGCGCCCTCAGCTTGCTTTTTAGGAGGGCAGAT[C>T]GATCAGAGGAGTCCCAGGGGCCCCGCCCGAGGGCACCTCCATCTCTCTGGGCTGGGCTGA-3'
Protein context (NP_006163.1, residues 97-117): LGRGPWDSSD[Arg107Gln]SALLKSKLRA

ClinVar aggregate classification (germline): Uncertain significance (1 of 4 stars; one submission).

Conditions:
Atrial fibrillation, familial, 6 (ATFB6). Identifiers: MedGen C2677294, MONDO:0012816, OMIM 612201.

gnomAD v4.1: 9 of 1,612,914 alleles (0.00056%); highest among the groups gnomAD compares: Non-Finnish European, 0.00068%; no homozygotes.

Submission:

Labcorp Genetics (formerly Invitae), Labcorp
Classification: Uncertain significance for Atrial fibrillation, familial, 6. Last evaluated: 2021-10-04. Review status: criteria provided, single submitter. Criteria: Invitae Variant Classification Sherloc (09022015). Collection method: clinical testing. Allele origin: germline.
Comment: In summary, the available evidence is currently insufficient to determine the role of this variant in disease. Therefore, it has been classified as a Variant of Uncertain Significance. Algorithms developed to predict the effect of missense changes on protein structure and function are either unavailable or do not agree on the potential impact of this missense change (SIFT: "Deleterious"; PolyPhen-2: "Benign"; Align-GVGD: "Class C35"). This variant has not been reported in the literature in individuals affected with NPPA-related conditions. This variant is present in population databases (rs369737600, ExAC 0.002%). This sequence change replaces arginine with glutamine at codon 107 of the NPPA protein (p.Arg107Gln). The arginine residue is highly conserved and there is a small physicochemical difference between arginine and glutamine.